The following is an entry in ClinVar:

NM_002878.4(RAD51D):c.144+8_144+10del

Genes: RAD51D (RAD51 paralog D; minus strand), RAD51L3-RFFL (RAD51L3-RFFL readthrough; minus strand). Cytogenetic location: 17q12.
Variant type: Deletion.
Coding change: c.144+8_144+10del on transcript NM_002878.4 (MANE Select); bases 8 to 10 of the intron after coding-DNA position 144, 3 bases deleted (CCT; older notation c.144+8_144+10delCCT).
Molecular consequence: intron variant.
Genome position (GRCh38, 1-based): chr17:35,119,101-35,119,103, AGG deleted on the plus strand (CCT on the coding strand, the reverse complement: RAD51D is on the minus strand); deleting any 3 consecutive bases within chr17:35,119,101-35,119,105 gives the same sequence; the c. name uses the placement nearest the transcript's 3' end. VCF-style (leftmost placement, unchanged base first): chr17-35119100-CAGG-C. GRCh37 (hg19) VCF-style: chr17-33446119-CAGG-C.
Other names: c.144+8_144+10del (NM_133629.3, NM_001142571.2).
Identifiers: ClinVar variation 3904658 (VCV003904658.1).

ClinVar aggregate classification (germline): Likely benign (1 of 4 stars; one submission).

Conditions:
Breast-ovarian cancer, familial, susceptibility to, 4. Identifiers: Orphanet 145, MedGen C3280345, MONDO:0013669, OMIM 614291.

Submission:

Myriad Genetics, Inc.
Classification: Likely benign for Breast-ovarian cancer, familial, susceptibility to, 4. Last evaluated: 2025-02-20. Review status: criteria provided, single submitter. Criteria: Myriad Autosomal Dominant, Autosomal Recessive and X-Linked Classification Criteria (2023). Collection method: clinical testing. Allele origin: unknown.
Comment: This variant is considered likely benign. This variant is intronic and is not expected to impact mRNA splicing.